The following is an entry in ClinVar:

ClinVar aggregate classification (germline): Pathogenic. Review status: criteria provided, single submitter (1 of 4 stars). 3 submissions from 3 submitters: Pathogenic (1). 2 of the submissions do not count toward it. Last evaluated 2023-09-01.

Conditions:
Cohen syndrome (COH1). Also called: PEPPER SYNDROME; Cutis verticis gyrata, retinitis pigmentosa, and sensorineural deafness. Identifiers: Orphanet 193, MedGen C0265223, MONDO:0008999, OMIM 216550.

Allele frequency attached by ClinVar (database versions not stated): gnomAD exomes 0.00001; TOPMed 0.00001.

Submissions (3):

Labcorp Genetics (formerly Invitae), Labcorp
Classification: Pathogenic for Cohen syndrome. Last evaluated: 2023-09-01. Review status: criteria provided, single submitter. Criteria: Invitae Variant Classification Sherloc (09022015). Collection method: clinical testing. Allele origin: germline.
Comment: For these reasons, this variant has been classified as Pathogenic. ClinVar contains an entry for this variant (Variation ID: 56662). This premature translational stop signal has been observed in individual(s) with clinical features of Cohen syndrome (PMID: 15141358). This variant is not present in population databases (gnomAD no frequency). This sequence change creates a premature translational stop signal (p.Gln1445Argfs*7) in the VPS13B gene. It is expected to result in an absent or disrupted protein product. Loss-of-function variants in VPS13B are known to be pathogenic (PMID: 15141358, 16648375, 20461111).

Counsyl
Classification: Likely pathogenic for Cohen syndrome. Last evaluated: 2017-10-26. Review status: no assertion criteria provided. Collection method: clinical testing. Allele origin: unknown. Not counted in ClinVar's aggregate classification.

Juha Muilu Group; Institute for Molecular Medicine Finland (FIMM)
Classification: Likely pathogenic for Cohen syndrome. Review status: no assertion criteria provided. Collection method: not provided. Allele origin: unknown. Not counted in ClinVar's aggregate classification.
Comment: FinDis database variant: This variant was not found or characterized by our laboratory, data were collected from public sources: see reference
ClinVar note: Converted during submission from probable-pathogenic to Likely pathogenic.

Literature cited by the submitters: PubMed 15141358 (cited by Labcorp Genetics (formerly Invitae), Labcorp and Counsyl); PubMed 16648375 (cited by Labcorp Genetics (formerly Invitae), Labcorp); PubMed 20461111 (cited by Labcorp Genetics (formerly Invitae), Labcorp).

NM_152564.5(VPS13B):c.4259del (p.Gln1420fs)

Gene: VPS13B (vacuolar protein sorting 13 homolog B; plus strand). Cytogenetic location: 8q22.2.
Variant type: Deletion.
Coding change: c.4259del on transcript NM_152564.5 (MANE Select); coding-DNA position 4259, one base deleted (A; older notation c.4259delA).
Protein change: p.Gln1420fs; shifts the reading frame from glutamine 1420.
Molecular consequence: frameshift variant.
Genome position (GRCh38, 1-based): chr8:99,511,138, A deleted. VCF-style (leftmost placement, unchanged base first): chr8-99511137-CA-C. GRCh37 (hg19) VCF-style: chr8-100523365-CA-C.
Other names: c.4334del, p.Gln1445fs (NM_017890.5); c.4334delA (NM_017890.4); short protein forms Q1420fs, Q1445fs.
Identifiers: ClinVar variation 56662 (VCV000056662.8), dbSNP rs386834084, ClinGen allele CA264072.